The following is an entry in ClinVar:

NM_031475.3(ESPN):c.1302A>C (p.Pro434=)

Gene: ESPN (espin; plus strand). Cytogenetic location: 1p36.31.
Variant type: single nucleotide variant.
Coding change: c.1302A>C on transcript NM_031475.3 (MANE Select); coding-DNA position 1302, A replaced by C.
Protein change: p.Pro434=; no amino-acid change (proline 434 retained).
Molecular consequence: synonymous variant.
Genome position (GRCh38, 1-based): chr1:6,445,773, A>C. VCF-style: chr1-6445773-A-C. GRCh37 (hg19) VCF-style: chr1-6505833-A-C.
Other names: p.Pro434=; c.1302A>C, p.Pro434= (NM_001367473.1, NM_001367474.1).
Identifiers: ClinVar variation 770109 (VCV000770109.11), dbSNP rs751802161, ClinGen allele CA560190.
Genomic context (GRCh38, chr1:6,445,773, plus strand): 5'-GAACCCGGAGCTGGGCCTGCCTCGGGGCACGATTGGGAAGCCCACACCCCCACCACCCCC[A>C]CCCAGCTTCCCCCCGCCACCCCCGCCCCCAGGCACCCAACTGCCCCCACCCCCACCTGGC-3'
Protein context (NP_113663.2, residues 424-444): TIGKPTPPPP[Pro434=]PSFPPPPPPP

ClinVar aggregate classification (germline): Likely benign. Review status: criteria provided, multiple submitters, no conflicts (2 of 4 stars). 4 submissions from 4 submitters: Likely benign (3). 1 of the submissions does not count toward it. Last evaluated 2025-12-22.

Conditions:
ESPN-related disorder. Also called: ESPN-related condition.

Allele frequency attached by ClinVar (database versions not stated): ExAC 0.00064.

Submissions (4):

Labcorp Genetics (formerly Invitae), Labcorp
Classification: Likely benign. Last evaluated: 2025-12-22. Review status: criteria provided, single submitter. Criteria: Invitae Variant Classification Sherloc (09022015). Collection method: clinical testing. Allele origin: germline.

Mayo Clinic Laboratories, Mayo Clinic
Classification: Likely benign. Last evaluated: 2024-11-14. Review status: criteria provided, single submitter. Criteria: ACMG Guidelines, 2015. Collection method: clinical testing. Allele origin: germline. Observed: 5 variant alleles.
Comment: BP4, BP7

Breakthrough Genomics
Classification: Likely benign. Review status: criteria provided, single submitter. Criteria: ACMG Guidelines, 2015. Collection method: not provided. Allele origin: germline. Inheritance: Autosomal recessive inheritance. Affected: yes.

PreventionGenetics, part of Exact Sciences
Classification: Benign for ESPN-related condition. Last evaluated: 2019-05-08. Review status: no assertion criteria provided. Collection method: clinical testing. Allele origin: germline. Not counted in ClinVar's aggregate classification.
Comment: This variant is classified as benign based on ACMG/AMP sequence variant interpretation guidelines (Richards et al. 2015 PMID: 25741868, with internal and published modifications).